The following is an entry in ClinVar:

ClinVar aggregate classification (germline): Likely benign (1 of 4 stars; one submission).

gnomAD v4.1: 24 of 1,612,726 alleles (0.0015%); highest among the groups gnomAD compares: South Asian, 0.0066%; no homozygotes.

Submission:

CeGaT Center for Human Genetics Tuebingen
Classification: Likely benign. Last evaluated: 2024-11-01. Review status: criteria provided, single submitter. Criteria: CeGaT Center For Human Genetics Tuebingen Variant Classification Criteria Version 2. Collection method: clinical testing. Allele origin: germline. Affected: yes. Observed: 1 variant allele.
Comment: LRP1B: PM2:Supporting, BP4, BP7

NM_018557.3(LRP1B):c.11538T>C (p.Asn3846=)

Gene: LRP1B (LDL receptor related protein 1B; minus strand). Cytogenetic location: 2q22.1.
Variant type: single nucleotide variant.
Coding change: c.11538T>C on transcript NM_018557.3 (MANE Select); coding-DNA position 11538, T replaced by C.
Protein change: p.Asn3846=; no amino-acid change (asparagine 3846 retained).
Molecular consequence: synonymous variant.
Genome position (GRCh38, 1-based): chr2:140,353,065, A>G on the plus strand (T>C on the coding strand, the complement: LRP1B is on the minus strand). VCF-style: chr2-140353065-A-G. GRCh37 (hg19) VCF-style: chr2-141110634-A-G.
Identifiers: ClinVar variation 3388887 (VCV003388887.14).